The following is an entry in ClinVar:

ClinVar aggregate classification (germline): Benign/Likely benign. Review status: criteria provided, multiple submitters, no conflicts (2 of 4 stars). 6 submissions from 6 submitters: Benign (1); Likely benign (3). 2 of the submissions do not count toward it. Last evaluated 2025-01-13.

Conditions:
Familial cancer of breast. Also called: BREAST CANCER, FAMILIAL; Hereditary breast cancer; hereditary breast carcinoma. Identifiers: Orphanet 227535, MedGen C0346153, MONDO:0016419, OMIM 114480. Disease mechanism: loss of function.
Hereditary cancer-predisposing syndrome. Also called: Hereditary Cancer Syndrome; Neoplastic Syndromes, Hereditary; Tumor predisposition; Hereditary neoplastic syndrome. Identifiers: Orphanet 140162, MedGen C0027672, MeSH D009386, MONDO:0015356.
PALB2-related disorder. Also called: PALB2-related condition; PALB2-related disorders.

Allele frequency attached by ClinVar (database versions not stated): gnomAD exomes below 0.00001.
gnomAD v4.1: 1 of 1,613,812 alleles (0.000062%); highest among the groups gnomAD compares: Non-Finnish European, 0.000085%; no homozygotes.

Submissions (6):

Myriad Genetics, Inc.
Classification: Benign for Familial cancer of breast. Last evaluated: 2025-01-13. Review status: criteria provided, single submitter. Criteria: Myriad Autosomal Dominant, Autosomal Recessive and X-Linked Classification Criteria (2023). Collection method: clinical testing. Allele origin: unknown.
Comment: This variant is considered benign. This variant is a silent/synonymous amino acid change and it is not expected to impact splicing.

Labcorp Genetics (formerly Invitae), Labcorp
Classification: Likely benign for Familial cancer of breast. Last evaluated: 2024-11-12. Review status: criteria provided, single submitter. Criteria: Invitae Variant Classification Sherloc (09022015). Collection method: clinical testing. Allele origin: germline.

Color Diagnostics, LLC DBA Color Health
Classification: Likely benign for Hereditary cancer-predisposing syndrome. Last evaluated: 2023-01-09. Review status: criteria provided, single submitter. Criteria: ACMG Guidelines, 2015. Collection method: clinical testing. Allele origin: germline.

Ambry Genetics
Classification: Likely benign for Hereditary cancer-predisposing syndrome. Last evaluated: 2015-11-11. Review status: criteria provided, single submitter. Criteria: Ambry Variant Classification Scheme 2023. Collection method: clinical testing. Allele origin: germline.

PreventionGenetics, part of Exact Sciences
Classification: Likely benign for PALB2-related condition. Last evaluated: 2023-08-04. Review status: no assertion criteria provided. Collection method: clinical testing. Allele origin: germline. Not counted in ClinVar's aggregate classification.
Comment: This variant is classified as likely benign based on ACMG/AMP sequence variant interpretation guidelines (Richards et al. 2015 PMID: 25741868, with internal and published modifications).

Department of Pathology and Laboratory Medicine, Sinai Health System
Classification: Likely benign. Review status: no assertion criteria provided. Collection method: clinical testing. Allele origin: unknown. Affected: yes. Observed: 1 variant allele. Study: The Canadian Open Genetics Repository (COGR). Not counted in ClinVar's aggregate classification.
Comment: The PALB2 p.Ser312Ser variant was not identified in the literature nor was it identified in the dbSNP, ClinVar, Cosmic, MutDB, LOVD 3.0, and Zhejiang Colon Cancer databases. The variant was not identified in the 1000 Genomes Project, the NHLBI GO Exome Sequencing Project or the Exome Aggregation Consortium (August 8th 2016) control databases. FUNCTION DATA. The p.Ser312Ser variant is not expected to have clinical significance because it does not result in a change of amino acid and is not located in a known consensus splice site. In addition, in silico or computational prediction software programs (SpliceSiteFinder, MaxEntScan, NNSPLICE, GeneSplicer, HumanSpliceFinder) do not predict a difference in splicing. In summary, based on the above information the clinical significance of this variant cannot be determined with certainty at this time although we would lean towards a more benign role for this variant. This variant is classified as likely benign.

NM_024675.4(PALB2):c.936T>C (p.Ser312=)

Gene: PALB2 (partner and localizer of BRCA2; minus strand). Cytogenetic location: 16p12.2.
Variant type: single nucleotide variant.
Coding change: c.936T>C on transcript NM_024675.4 (MANE Select); coding-DNA position 936, T replaced by C.
Protein change: p.Ser312=; no amino-acid change (serine 312 retained).
Molecular consequence: synonymous variant.
Genome position (GRCh38, 1-based): chr16:23,635,610, A>G on the plus strand (T>C on the coding strand, the complement: PALB2 is on the minus strand). VCF-style: chr16-23635610-A-G. GRCh37 (hg19) VCF-style: chr16-23646931-A-G.
Identifiers: ClinVar variation 481119 (VCV000481119.21), dbSNP rs1555461534, ClinGen allele CA494461909.